The following is an entry in ClinVar:

ClinVar aggregate classification (germline): Uncertain significance (1 of 4 stars; one submission).

Conditions:
COG5-congenital disorder of glycosylation. Also called: CONGENITAL DISORDER OF GLYCOSYLATION, TYPE IIi; CDG IIi; COG5-CDG. Identifiers: Orphanet 263487, MedGen C3150876, MONDO:0013325, OMIM 613612.

Submission:

Labcorp Genetics (formerly Invitae), Labcorp
Classification: Uncertain significance for COG5-congenital disorder of glycosylation. Last evaluated: 2023-11-03. Review status: criteria provided, single submitter. Criteria: Invitae Variant Classification Sherloc (09022015). Collection method: clinical testing. Allele origin: germline.
Comment: This sequence change replaces alanine, which is neutral and non-polar, with glycine, which is neutral and non-polar, at codon 307 of the COG5 protein (p.Ala307Gly). This variant is not present in population databases (gnomAD no frequency). This variant has not been reported in the literature in individuals affected with COG5-related conditions. ClinVar contains an entry for this variant (Variation ID: 1379210). An algorithm developed to predict the effect of missense changes on protein structure and function (PolyPhen-2) suggests that this variant is likely to be tolerated. In summary, the available evidence is currently insufficient to determine the role of this variant in disease. Therefore, it has been classified as a Variant of Uncertain Significance.

NM_006348.5(COG5):c.827C>G (p.Ala276Gly)

Gene: COG5 (component of oligomeric golgi complex 5; minus strand). Cytogenetic location: 7q22.3.
Variant type: single nucleotide variant.
Coding change: c.827C>G on transcript NM_006348.5 (MANE Select); coding-DNA position 827, C replaced by G.
Protein change: p.Ala276Gly; replaces alanine 276 with glycine.
Molecular consequence: missense variant. On other transcripts: intron variant (2).
Genome position (GRCh38, 1-based): chr7:107,372,603, G>C on the plus strand (C>G on the coding strand, the complement: COG5 is on the minus strand). VCF-style: chr7-107372603-G-C. GRCh37 (hg19) VCF-style: chr7-107013048-G-C.
Other names: c.827C>G, p.Ala276Gly (NM_001161520.2, NM_001379511.1, NM_001379512.1 and 3 more transcripts); c.235-10493C>G (NM_001379516.1); c.539-74257C>G (NM_001379515.1); short protein forms A276G.
Identifiers: ClinVar variation 1379210 (VCV001379210.6), dbSNP rs2129050089, ClinGen allele CA368940562.
Genomic context (GRCh38, chr7:107,372,603, plus strand): 5'-GACTTCTCAGTTATAAATAAATAAAGAAGCTAAATATAAACCACATCCATACCTCTCACA[G>C]CTGACTGGGAAGGCTGAGTCAAAACTTTTATGTCTAATGCACTGTTGATATTTTCTTCTA-3'
Protein context (NP_006339.4, residues 266-286): IKVLTQPSQS[Ala276Gly]VRGGPGRSTM